The following is an entry in ClinVar:

ClinVar aggregate classification (germline): Uncertain significance. Review status: criteria provided, multiple submitters, no conflicts (2 of 4 stars). 2 submissions from 2 submitters: Uncertain significance (2). Last evaluated 2026-04-14.

Conditions:
Progressive familial intrahepatic cholestasis type 2. Identifiers: Orphanet 79304, MedGen C3489789, MONDO:0011156, OMIM 601847.
Familial intrahepatic cholestasis. Identifiers: Orphanet 284385, MedGen CN296401, MONDO:0017290.

gnomAD v4.1: 1 of 1,613,870 alleles (0.000062%); highest among the groups gnomAD compares: Non-Finnish European, 0.000085%; no homozygotes.

Submissions (2):

Genomenon, Inc
Classification: Uncertain significance for Familial intrahepatic cholestasis. Last evaluated: 2026-04-14. Review status: criteria provided, single submitter. Criteria: Genomenon Sequence Variant Interpretation Standards - Updated. Collection method: curation. Allele origin: germline. Affected: yes.
Comment: ABCB11 p.Thr923Pro (c.2767A>C) is a missense variant that changes the amino acid at residue 923 from Threonine to Proline. This variant has been observed in at least one proband with an ABCB11-related disorder (PMID:15300568). At least one splicing study demonstrated no effect on splicing (PMID:19101985). It is absent or not present at a significant frequency in gnomAD. In silico models predict that this variant is possibly or probably damaging. In conclusion, we classify ABCB11 p.Thr923Pro (c.2767A>C) as a variant of uncertain significance.

Broad Center for Mendelian Genomics, Broad Institute of MIT and Harvard
Classification: Uncertain significance for Progressive familial intrahepatic cholestasis type 2. Last evaluated: 2025-01-24. Review status: criteria provided, single submitter. Criteria: ACMG Guidelines, 2015. Collection method: curation. Allele origin: germline. Inheritance: Autosomal recessive inheritance.
Comment: The p.Thr923Pro variant in ABCB11 has been reported in one individual with BSEP deficiency (PMID: 15300568), and has been identified in 0.00008% (1/1179854) of European (non-Finnish) chromosomes by the Genome Aggregation Database (gnomAD; dbSNP rs777469571). Although this variant has been seen in the general population in a heterozygous state, its frequency is low enough to be consistent with a recessive carrier frequency. In vitro functional studies have conflicting evidence on the effect of the p.Thr923Pro variant (PMID: 19101985). However, these types of assays may not accurately represent biological function. Computational prediction tools and conservation analyses suggest that this variant may impact the protein, though this information is not predictive enough to determine pathogenicity. In summary, while there is some suspicion for a pathogenic role, the clinical significance of this variant is uncertain. ACMG/AMP Criteria applied: PP3_moderate, PM2_supporting (Richards 2015).

Literature cited by the submitters: PubMed 15300568 (cited by Genomenon, Inc); PubMed 19101985 (cited by Genomenon, Inc).

NM_003742.4(ABCB11):c.2767A>C (p.Thr923Pro)

Genes: ABCB11 (ATP binding cassette subfamily B member 11; minus strand), LOC126806400 (CDK7 strongly-dependent group 2 enhancer GRCh37_chr2:169791870-169793069; plus strand). Cytogenetic location: 2q31.1.
Variant type: single nucleotide variant.
Coding change: c.2767A>C on transcript NM_003742.4 (MANE Select); coding-DNA position 2767, A replaced by C.
Protein change: p.Thr923Pro; replaces threonine 923 with proline.
Molecular consequence: missense variant.
Genome position (GRCh38, 1-based): chr2:168,936,277, T>G on the plus strand (A>C on the coding strand, the complement: ABCB11 is on the minus strand). VCF-style: chr2-168936277-T-G. GRCh37 (hg19) VCF-style: chr2-169792787-T-G.
Other names: NM_003742.4:c.2767A>C; short protein forms T923P.
Identifiers: ClinVar variation 3776845 (VCV003776845.2).